The following is an entry in ClinVar:

ClinVar aggregate classification (germline): Uncertain significance (1 of 4 stars; one submission).

Conditions:
Inborn genetic diseases. Identifiers: MedGen C0950123, MeSH D030342.

Submission:

Ambry Genetics
Classification: Uncertain significance for Inborn genetic diseases. Last evaluated: 2025-09-10. Review status: criteria provided, single submitter. Criteria: Ambry Variant Classification Scheme 2023. Collection method: clinical testing. Allele origin: germline.
Comment: The p.P813R variant (also known as c.2438C>G), located in coding exon 26 of the FANCA gene, results from a C to G substitution at nucleotide position 2438. The proline at codon 813 is replaced by arginine, an amino acid with dissimilar properties. This amino acid position is conserved. In addition, this alteration is predicted to be tolerated by in silico analysis. Based on the available evidence, the clinical significance of this variant remains unclear.

NM_000135.4(FANCA):c.2438C>G (p.Pro813Arg)

Gene: FANCA (FA complementation group A; minus strand). Cytogenetic location: 16q24.3.
Variant type: single nucleotide variant.
Coding change: c.2438C>G on transcript NM_000135.4 (MANE Select); coding-DNA position 2438, C replaced by G.
Protein change: p.Pro813Arg; replaces proline 813 with arginine.
Molecular consequence: missense variant.
Genome position (GRCh38, 1-based): chr16:89,769,903, G>C on the plus strand (C>G on the coding strand, the complement: FANCA is on the minus strand). VCF-style: chr16-89769903-G-C. GRCh37 (hg19) VCF-style: chr16-89836311-G-C.
Other names: c.2438C>G, p.Pro813Arg (NM_001286167.3); short protein forms P813R.
Identifiers: ClinVar variation 4254340 (VCV004254340.1).
Genomic context (GRCh38, chr16:89,769,903, plus strand): 5'-CAGAAGAACAAGGAATCCCTCGTCCTACAGGTCAGGAGGCTGTCAAAGAGCGCAGGGACA[G>C]GAAGGCCAGCACCAGGTGCAGGAGGACCCACATCCACCTCTGGGAGCGCAGACCTGGACT-3'
Protein context (NP_000126.2, residues 803-823): VGPPAPGAGL[Pro813Arg]VPALFDSLLT